The following is an entry in ClinVar:

NM_006445.4(PRPF8):c.5495G>A (p.Arg1832His)

Gene: PRPF8 (pre-mRNA processing factor 8; minus strand). Cytogenetic location: 17p13.3.
Variant type: single nucleotide variant.
Coding change: c.5495G>A on transcript NM_006445.4 (MANE Select); coding-DNA position 5495, G replaced by A.
Protein change: p.Arg1832His; replaces arginine 1832 with histidine.
Molecular consequence: missense variant.
Genome position (GRCh38, 1-based): chr17:1,658,263, C>T on the plus strand (G>A on the coding strand, the complement: PRPF8 is on the minus strand). VCF-style: chr17-1658263-C-T. GRCh37 (hg19) VCF-style: chr17-1561557-C-T.
Other names: short protein forms R1832H.
Identifiers: ClinVar variation 3219216 (VCV003219216.1), dbSNP rs2543726821, ClinGen allele CA397571927.

ClinVar aggregate classification (germline): Likely pathogenic (1 of 4 stars; one submission).

Conditions:
Inborn genetic diseases. Identifiers: MedGen C0950123, MeSH D030342.

Submission:

Ambry Genetics
Classification: Likely pathogenic for Inborn genetic diseases. Last evaluated: 2023-10-18. Review status: criteria provided, single submitter. Criteria: Ambry Variant Classification Scheme 2023. Collection method: clinical testing. Allele origin: germline.
Comment: The c.5495G>A (p.R1832H) alteration is located in exon 34 (coding exon 33) of the PRPF8 gene. This alteration results from a G to A substitution at nucleotide position 5495, causing the arginine (R) at amino acid position 1832 to be replaced by a histidine (H). _x000D_ _x000D_ for PRPF8-related neurodevelopmental disorder; however, its clinical significance for PRPF8-related retinitis pigmentosa is uncertain. This variant was not reported in population-based cohorts in the Genome Aggregation Database (gnomAD). This amino acid position is highly conserved in available vertebrate species. This missense alteration is located in a region that has a low rate of benign missense variation (Lek, 2016; Firth, 2009). Based on internal structural analysis p.R1832H is deleterious. This alteration is predicted to be deleterious by in silico analysis. Based on the available evidence, this alteration is classified as likely pathogenic.